The following is an entry in ClinVar:

NM_006502.3(POLH):c.835A>G (p.Thr279Ala)

Gene: POLH (DNA polymerase eta; plus strand). Cytogenetic location: 6p21.1.
Variant type: single nucleotide variant.
Coding change: c.835A>G on transcript NM_006502.3 (MANE Select); coding-DNA position 835, A replaced by G.
Protein change: p.Thr279Ala; replaces threonine 279 with alanine.
Molecular consequence: missense variant.
Genome position (GRCh38, 1-based): chr6:43,603,962, A>G. VCF-style: chr6-43603962-A-G. GRCh37 (hg19) VCF-style: chr6-43571699-A-G.
Other names: c.463A>G, p.Thr155Ala (NM_001291969.2); c.835A>G, p.Thr279Ala (NM_001291970.2); short protein forms T155A, T279A.
Identifiers: ClinVar variation 3654020 (VCV003654020.2).

ClinVar aggregate classification (germline): Uncertain significance (1 of 4 stars; one submission).

Submission:

Labcorp Genetics (formerly Invitae), Labcorp
Classification: Uncertain significance. Last evaluated: 2024-05-21. Review status: criteria provided, single submitter. Criteria: Invitae Variant Classification Sherloc (09022015). Collection method: clinical testing. Allele origin: germline.
Comment: This sequence change replaces threonine, which is neutral and polar, with alanine, which is neutral and non-polar, at codon 279 of the POLH protein (p.Thr279Ala). This variant is not present in population databases (gnomAD no frequency). This variant has not been reported in the literature in individuals affected with POLH-related conditions. An algorithm developed to predict the effect of missense changes on protein structure and function (PolyPhen-2) suggests that this variant is likely to be tolerated. In summary, the available evidence is currently insufficient to determine the role of this variant in disease. Therefore, it has been classified as a Variant of Uncertain Significance.